The following is an entry in ClinVar:

ClinVar aggregate classification (germline): Benign/Likely benign. Review status: criteria provided, multiple submitters, no conflicts (2 of 4 stars). 4 submissions from 4 submitters: Benign (1); Likely benign (2). 1 of the submissions does not count toward it. Last evaluated 2026-01-19.

Conditions:
PLEKHG2-related disorder. Also called: PLEKHG2-related condition.

Allele frequency attached by ClinVar (database versions not stated): 1000 Genomes Project 30x 0.00156; 1000 Genomes Project 0.00160; TOPMed 0.00419; gnomAD 0.00557 and 0.00592; ESP Exome Variant Server 0.00561; gnomAD exomes 0.00594 and 0.00748; ExAC 0.00629.

Submissions (4):

Labcorp Genetics (formerly Invitae), Labcorp
Classification: Benign. Last evaluated: 2026-01-19. Review status: criteria provided, single submitter. Criteria: Invitae Variant Classification Sherloc (09022015). Collection method: clinical testing. Allele origin: germline.

CeGaT Center for Human Genetics Tuebingen
Classification: Likely benign. Last evaluated: 2025-11-01. Review status: criteria provided, single submitter. Criteria: CeGaT Center For Human Genetics Tuebingen Variant Classification Criteria Version 2. Collection method: clinical testing. Allele origin: germline. Affected: yes. Observed: 14 variant alleles.
Comment: PLEKHG2: BP4, BP7, BS2

Breakthrough Genomics
Classification: Likely benign. Review status: criteria provided, single submitter. Criteria: ACMG Guidelines, 2015. Collection method: not provided. Allele origin: germline. Inheritance: Autosomal recessive inheritance. Affected: yes.

PreventionGenetics, part of Exact Sciences
Classification: Benign for PLEKHG2-related condition. Last evaluated: 2019-05-03. Review status: no assertion criteria provided. Collection method: clinical testing. Allele origin: germline. Not counted in ClinVar's aggregate classification.
Comment: This variant is classified as benign based on ACMG/AMP sequence variant interpretation guidelines (Richards et al. 2015 PMID: 25741868, with internal and published modifications).

NM_022835.3(PLEKHG2):c.2901G>A (p.Pro967=)

Gene: PLEKHG2 (pleckstrin homology and RhoGEF domain containing G2; plus strand). Cytogenetic location: 19q13.2.
Variant type: single nucleotide variant.
Coding change: c.2901G>A on transcript NM_022835.3 (MANE Select); coding-DNA position 2901, G replaced by A.
Protein change: p.Pro967=; no amino-acid change (proline 967 retained).
Molecular consequence: synonymous variant. On other transcripts: intron variant (1).
Genome position (GRCh38, 1-based): chr19:39,424,034, G>A. VCF-style: chr19-39424034-G-A. GRCh37 (hg19) VCF-style: chr19-39914674-G-A.
Other names: c.2724G>A, p.Pro908= (NM_001351693.2); c.1678-1204G>A (NM_001351694.2).
Identifiers: ClinVar variation 713743 (VCV000713743.44), dbSNP rs113732286, ClinGen allele CA9429893.